The following is an entry in ClinVar:

ClinVar aggregate classification (germline): Uncertain significance. Review status: criteria provided, multiple submitters, no conflicts (2 of 4 stars). 3 submissions from 3 submitters: Uncertain significance (3). Last evaluated 2024-02-14.

Conditions:
Charcot-Marie-Tooth disease, demyelinating, IIA 1I. Also called: CHARCOT-MARIE-TOOTH NEUROPATHY, TYPE 1I; Charcot-Marie-Tooth disease, demyelinating, type 1I. Identifiers: MedGen C5676914, MONDO:0030677, OMIM 619742.
Inborn genetic diseases. Identifiers: MedGen C0950123, MeSH D030342.

Allele frequency attached by ClinVar (database versions not stated): gnomAD exomes below 0.00001; TOPMed below 0.00001; gnomAD 0.00001.
gnomAD v4.1: 4 of 1,612,028 alleles (0.00025%); highest among the groups gnomAD compares: Non-Finnish European, 0.00034%; no homozygotes.

Submissions (3):

Labcorp Genetics (formerly Invitae), Labcorp
Classification: Uncertain significance. Last evaluated: 2024-02-14. Review status: criteria provided, single submitter. Criteria: Invitae Variant Classification Sherloc (09022015). Collection method: clinical testing. Allele origin: germline.
Comment: This sequence change replaces glutamic acid, which is acidic and polar, with lysine, which is basic and polar, at codon 914 of the POLR3B protein (p.Glu914Lys). This variant is not present in population databases (gnomAD no frequency). This missense change has been observed in individual(s) with leukodystrophy (PMID: 32342562, 34440436). ClinVar contains an entry for this variant (Variation ID: 2230705). Advanced modeling of protein sequence and biophysical properties (such as structural, functional, and spatial information, amino acid conservation, physicochemical variation, residue mobility, and thermodynamic stability) performed at Invitae indicates that this missense variant is not expected to disrupt POLR3B protein function with a negative predictive value of 80%. In summary, the available evidence is currently insufficient to determine the role of this variant in disease. Therefore, it has been classified as a Variant of Uncertain Significance.

Ambry Genetics
Classification: Uncertain significance for Inborn genetic diseases. Last evaluated: 2021-05-25. Review status: criteria provided, single submitter. Criteria: Ambry Variant Classification Scheme 2023. Collection method: clinical testing. Allele origin: germline.

Molecular Diagnostics Lab, Nemours Children's Health, Delaware
Classification: Uncertain significance for Charcot-Marie-Tooth disease, demyelinating, IIA 1I. Last evaluated: 2020-12-23. Review status: criteria provided, single submitter. Criteria: ACMG Guidelines, 2015. Collection method: clinical testing. Allele origin: unknown. Inheritance: Autosomal recessive inheritance. Affected: yes. Observed: 2 compound heterozygotes. Clinical features observed: Cerebellar hypoplasia (HP:0006806), Cerebellar atrophy (HP:0001272), Ataxia (HP:0001251), Myopia (HP:0000545), Delayed eruption of permanent teeth (HP:0000696).
Comment: This missense variant (c.2740G>A, p.Glu914Lys) has not been observed in population databases (gnomAD) and has not been reported in the literature. Variant prediction programs suggest a deleterious effect, but no functional studies have been publishd.

Literature cited by the submitters: PubMed 32342562 (cited by Labcorp Genetics (formerly Invitae), Labcorp); PubMed 34440436 (cited by Labcorp Genetics (formerly Invitae), Labcorp).

NM_018082.6(POLR3B):c.2740G>A (p.Glu914Lys)

Gene: POLR3B (RNA polymerase III subunit B; plus strand). Cytogenetic location: 12q23.3.
Variant type: single nucleotide variant.
Coding change: c.2740G>A on transcript NM_018082.6 (MANE Select); coding-DNA position 2740, G replaced by A.
Protein change: p.Glu914Lys; replaces glutamic acid 914 with lysine.
Molecular consequence: missense variant.
Genome position (GRCh38, 1-based): chr12:106,496,081, G>A. VCF-style: chr12-106496081-G-A. GRCh37 (hg19) VCF-style: chr12-106889859-G-A.
Other names: c.2566G>A, p.Glu856Lys (NM_001160708.2); short protein forms E856K, E914K.
Identifiers: ClinVar variation 2230705 (VCV002230705.6), dbSNP rs1381339891, ClinGen allele CA386392553.
Genomic context (GRCh38, chr12:106,496,081, plus strand): 5'-TGCTTTATGTGGCATGAAATCTTCTCTCCCCCAGGTGTTTGTGGCTTGATCGTCCCCCAG[G>A]AAGACATGCCATTTTGTGATTCTGGCATCTGTCCGGACATCATCATGAACCCACACGGCT-3'
Protein context (NP_060552.4, residues 904-924): KGVCGLIVPQ[Glu914Lys]DMPFCDSGIC